The following is an entry in ClinVar:

ClinVar aggregate classification (germline): Uncertain significance. Review status: criteria provided, multiple submitters, no conflicts (2 of 4 stars). 2 submissions from 2 submitters: Uncertain significance (2). Last evaluated 2025-09-18.

Conditions:
Cardiovascular phenotype. Identifiers: MedGen CN230736.
Familial hypercholesterolemia. Also called: Familial hypercholesterolaemia. Identifiers: MedGen C0020445, MONDO:0005439.

Allele frequency attached by ClinVar (database versions not stated): TOPMed below 0.00001.

Submissions (2):

Color Diagnostics, LLC DBA Color Health
Classification: Uncertain significance for Familial hypercholesterolemia. Last evaluated: 2025-09-18. Review status: criteria provided, single submitter. Criteria: ACMG Guidelines, 2015. Collection method: clinical testing. Allele origin: germline.
Comment: This missense variant replaces methionine with valine at codon 500 of the PCSK9 protein. Computational prediction suggests that this variant may not impact protein structure and function. To our knowledge, functional studies have not been reported for this variant. This variant has not been reported in individuals affected with PCSK9-related disorders in the literature. This variant has not been identified in the general population by the Genome Aggregation Database (gnomAD). The available evidence is insufficient to determine the role of this variant in disease conclusively. Therefore, this variant is classified as a Variant of Uncertain Significance.

Ambry Genetics
Classification: Uncertain significance for Cardiovascular phenotype. Last evaluated: 2023-04-18. Review status: criteria provided, single submitter. Criteria: Ambry Variant Classification Scheme 2023. Collection method: clinical testing. Allele origin: germline.
Comment: The p.M500V variant (also known as c.1498A>G), located in coding exon 9 of the PCSK9 gene, results from an A to G substitution at nucleotide position 1498. The methionine at codon 500 is replaced by valine, an amino acid with highly similar properties. This amino acid position is conserved. In addition, this alteration is predicted to be tolerated by in silico analysis. Since supporting evidence is limited at this time, the clinical significance of this alteration remains unclear.

NM_174936.4(PCSK9):c.1498A>G (p.Met500Val)

Gene: PCSK9 (proprotein convertase subtilisin/kexin type 9; plus strand). Cytogenetic location: 1p32.3.
Variant type: single nucleotide variant.
Coding change: c.1498A>G on transcript NM_174936.4 (MANE Select); coding-DNA position 1498, A replaced by G.
Protein change: p.Met500Val; replaces methionine 500 with valine.
Molecular consequence: missense variant. On other transcripts: non-coding transcript variant (8), intron variant (1).
Genome position (GRCh38, 1-based): chr1:55,058,642, A>G. VCF-style: chr1-55058642-A-G. GRCh37 (hg19) VCF-style: chr1-55524315-A-G.
Other names: c.1180+1128A>G (NM_001407247.1); c.1621A>G, p.Met541Val (NM_001407240.1); c.1498A>G, p.Met500Val (NM_001407241.1); c.1501A>G, p.Met501Val (NM_001407242.1); c.1441A>G, p.Met481Val (NM_001407243.1); c.1324A>G, p.Met442Val (NM_001407244.1); c.1306A>G, p.Met436Val (NM_001407245.1); c.1123A>G, p.Met375Val (NM_001407246.1); short protein forms M436V, M500V, M501V, M541V, M481V, M375V, M442V.
Identifiers: ClinVar variation 2568391 (VCV002568391.3), dbSNP rs1210875653, ClinGen allele CA340479349.